The following is an entry in ClinVar:

ClinVar aggregate classification (germline): Pathogenic (1 of 4 stars; one submission).

Conditions:
Epidermodysplasia verruciformis. Identifiers: Orphanet 302, MedGen C0014522, MONDO:0009176.

Submission:

Labcorp Genetics (formerly Invitae), Labcorp
Classification: Pathogenic for Epidermodysplasia verruciformis. Last evaluated: 2021-03-25. Review status: criteria provided, single submitter. Criteria: Invitae Variant Classification Sherloc (09022015). Collection method: clinical testing. Allele origin: germline.
Comment: For these reasons, this variant has been classified as Pathogenic. This variant has not been reported in the literature in individuals with TMC6-related conditions. This variant is not present in population databases (ExAC no frequency). This sequence change creates a premature translational stop signal (p.Val383Argfs*118) in the TMC6 gene. It is expected to result in an absent or disrupted protein product. Loss-of-function variants in TMC6 are known to be pathogenic (PMID: 15042430, 17139267).

Literature cited by the submitters: PubMed 15042430; PubMed 17139267.

NM_001127198.5(TMC6):c.1146dup (p.Val383fs)

Gene: TMC6 (transmembrane channel like 6; minus strand). Cytogenetic location: 17q25.3.
Variant type: Duplication.
Coding change: c.1146dup on transcript NM_001127198.5 (MANE Select); coding-DNA position 1146, one base duplicated (C; older notation c.1146dupC).
Protein change: p.Val383fs; shifts the reading frame from valine 383.
Molecular consequence: frameshift variant. On other transcripts: non-coding transcript variant (4).
Genome position (GRCh38, 1-based): chr17:78,122,686, G duplicated on the plus strand (C on the coding strand, the reverse complement: TMC6 is on the minus strand); the first of 2 consecutive G bases (chr17:78,122,686-78,122,687); duplicating either gives the same sequence. VCF-style (leftmost placement, unchanged base first): chr17-78122685-C-CG. GRCh37 (hg19) VCF-style: chr17-76118766-C-CG.
Other names: c.1146dup, p.Val383fs (NM_001321185.1, NM_001374593.1, NM_001374594.1 and 4 more transcripts); short protein forms V383fs.
Identifiers: ClinVar variation 1452246 (VCV001452246.6), dbSNP rs1567995497, ClinGen allele CA627632796.